The following is an entry in ClinVar:

NM_014679.5(CEP57):c.377A>G (p.Asn126Ser)

Gene: CEP57 (centrosomal protein 57; plus strand). Cytogenetic location: 11q21.
Variant type: single nucleotide variant.
Coding change: c.377A>G on transcript NM_014679.5 (MANE Select); coding-DNA position 377, A replaced by G.
Protein change: p.Asn126Ser; replaces asparagine 126 with serine.
Molecular consequence: missense variant. On other transcripts: intron variant (3).
Genome position (GRCh38, 1-based): chr11:95,813,106, A>G. VCF-style: chr11-95813106-A-G. GRCh37 (hg19) VCF-style: chr11-95546270-A-G.
Other names: c.350A>G, p.Asn117Ser (NM_001243776.2); c.377A>G, p.Asn126Ser (NM_001243777.2, NM_001440871.1, NM_001440872.1 and 4 more transcripts); c.296A>G, p.Asn99Ser (NM_001363604.2, NM_001440869.1, NM_001440870.1 and 3 more transcripts); c.203-362A>G (NM_001440873.1, NM_001440881.1); c.122-362A>G (NM_001440880.1); short protein forms N117S, N126S, N99S.
Identifiers: ClinVar variation 4226383 (VCV004226383.1).

ClinVar aggregate classification (germline): Uncertain significance (1 of 4 stars; one submission).

Conditions:
Inborn genetic diseases. Identifiers: MedGen C0950123, MeSH D030342.

gnomAD v4.1: 2 of 1,612,414 alleles (0.00012%); highest among the groups gnomAD compares: Admixed American, 0.0017%; no homozygotes.

Submission:

Ambry Genetics
Classification: Uncertain significance for Inborn genetic diseases. Last evaluated: 2025-08-20. Review status: criteria provided, single submitter. Criteria: Ambry Variant Classification Scheme 2023. Collection method: clinical testing. Allele origin: germline.
Comment: The p.N126S variant (also known as c.377A>G), located in coding exon 3 of the CEP57 gene, results from an A to G substitution at nucleotide position 377. The asparagine at codon 126 is replaced by serine, an amino acid with highly similar properties. This amino acid position is conserved. In addition, this alteration is predicted to be tolerated by in silico analysis. Based on the available evidence, the clinical significance of this variant remains unclear.